The following is an entry in ClinVar:

ClinVar aggregate classification (germline): Uncertain significance (1 of 4 stars; one submission).

Submission:

Labcorp Genetics (formerly Invitae), Labcorp
Classification: Uncertain significance. Last evaluated: 2019-03-07. Review status: criteria provided, single submitter. Criteria: Invitae Variant Classification Sherloc (09022015). Collection method: clinical testing. Allele origin: germline.
Comment: In summary, the available evidence is currently insufficient to determine the role of this variant in disease. Therefore, it has been classified as a Variant of Uncertain Significance. This variant has not been reported in the literature in individuals with XRCC2-related conditions. This variant results in a copy number gain of the genomic region encompassing exons 1-2 of the XRCC2 gene. The 5' end of this event is unknown as it extends beyond the assayed region for this gene and therefore may encompass additional genes. The 3' boundary is likely confined to intron 2 of the XRCC2 gene. As the precise location of this event is unknown, it may be in tandem or it may be located elsewhere in the genome.

NC_000007.14:g.(?_152660691)_(152676089_?)dup

Gene: XRCC2 (X-ray repair cross complementing 2; minus strand). Cytogenetic location: 7q36.1.
Variant type: Duplication.
Identifiers: ClinVar variation 831087 (VCV000831087.5).